The following is an entry in ClinVar:

ClinVar aggregate classification (germline): Uncertain significance. Review status: criteria provided, multiple submitters, no conflicts (2 of 4 stars). 2 submissions from 2 submitters: Uncertain significance (2). Last evaluated 2022-07-13.

Allele frequency attached by ClinVar (database versions not stated): TOPMed 0.00002; gnomAD 0.00001; ExAC 0.00021.
gnomAD v4.1: 40 of 1,466,124 alleles (0.0027%); highest among the groups gnomAD compares: South Asian, 0.0066%; no homozygotes.

Submissions (2):

Labcorp Genetics (formerly Invitae), Labcorp
Classification: Uncertain significance. Last evaluated: 2022-07-13. Review status: criteria provided, single submitter. Criteria: Invitae Variant Classification Sherloc (09022015). Collection method: clinical testing. Allele origin: germline.
Comment: This sequence change replaces proline, which is neutral and non-polar, with serine, which is neutral and polar, at codon 533 of the SPEG protein (p.Pro533Ser). The frequency data for this variant in the population databases is considered unreliable, as metrics indicate poor data quality at this position in the gnomAD database. This variant has not been reported in the literature in individuals affected with SPEG-related conditions. ClinVar contains an entry for this variant (Variation ID: 1478985). Algorithms developed to predict the effect of missense changes on protein structure and function are either unavailable or do not agree on the potential impact of this missense change (SIFT: "Deleterious"; PolyPhen-2: "Benign"; Align-GVGD: "Class C0"). In summary, the available evidence is currently insufficient to determine the role of this variant in disease. Therefore, it has been classified as a Variant of Uncertain Significance.

Breakthrough Genomics
Classification: Uncertain significance. Review status: criteria provided, single submitter. Criteria: ACMG Guidelines, 2015. Collection method: not provided. Allele origin: germline. Inheritance: Autosomal recessive inheritance. Affected: yes.

NM_005876.5(SPEG):c.1597C>T (p.Pro533Ser)

Gene: SPEG (striated muscle enriched protein kinase; plus strand). Cytogenetic location: 2q35.
Variant type: single nucleotide variant.
Coding change: c.1597C>T on transcript NM_005876.5 (MANE Select); coding-DNA position 1597, C replaced by T.
Protein change: p.Pro533Ser; replaces proline 533 with serine.
Molecular consequence: missense variant.
Genome position (GRCh38, 1-based): chr2:219,448,755, C>T. VCF-style: chr2-219448755-C-T. GRCh37 (hg19) VCF-style: chr2-220313477-C-T.
Other names: short protein forms P533S.
Identifiers: ClinVar variation 1478985 (VCV001478985.4), dbSNP rs779175668, ClinGen allele CA2125701.